The following is an entry in ClinVar:

NM_000246.4(CIITA):c.2098C>G (p.Arg700Gly)

Gene: CIITA (class II major histocompatibility complex transactivator; plus strand). Cytogenetic location: 16p13.13.
Variant type: single nucleotide variant.
Coding change: c.2098C>G on transcript NM_000246.4 (MANE Select); coding-DNA position 2098, C replaced by G.
Protein change: p.Arg700Gly; replaces arginine 700 with glycine.
Molecular consequence: missense variant. On other transcripts: intron variant (1).
Genome position (GRCh38, 1-based): chr16:10,907,590, C>G. VCF-style: chr16-10907590-C-G. GRCh37 (hg19) VCF-style: chr16-11001447-C-G.
Other names: c.2101C>G, p.Arg701Gly (NM_001286402.1, NM_001379332.1); c.1954C>G, p.Arg652Gly (NM_001379330.1); c.1951C>G, p.Arg651Gly (NM_001379331.1); c.2098C>G, p.Arg700Gly (NM_001379333.1); c.2029C>G, p.Arg677Gly (NM_001379334.1); c.860-1393C>G (NM_001286403.2); short protein forms R652G, R701G, R651G, R677G, R700G.
Identifiers: ClinVar variation 4771021 (VCV004771021.1).

ClinVar aggregate classification (germline): Uncertain significance (1 of 4 stars; one submission).

Conditions:
MHC class II deficiency. Also called: BLS, TYPE II; Bare lymphocyte syndrome 2. Identifiers: Orphanet 572, MedGen C5447452, MONDO:0008855.

gnomAD v4.1: 4 of 1,614,178 alleles (0.00025%); highest among the groups gnomAD compares: South Asian, 0.0044%; no homozygotes.

Submission:

Labcorp Genetics (formerly Invitae), Labcorp
Classification: Uncertain significance for MHC class II deficiency. Last evaluated: 2025-07-28. Review status: criteria provided, single submitter. Criteria: Invitae Variant Classification Sherloc (09022015). Collection method: clinical testing. Allele origin: germline.
Comment: This sequence change replaces arginine, which is basic and polar, with glycine, which is neutral and non-polar, at codon 700 of the CIITA protein (p.Arg700Gly). This variant is present in population databases (rs770284013, gnomAD 0.003%). This variant has not been reported in the literature in individuals affected with CIITA-related conditions. An algorithm developed to predict the effect of missense changes on protein structure and function outputs the following: PolyPhen-2: "Benign". The glycine amino acid residue is found in multiple mammalian species, which suggests that this missense change does not adversely affect protein function. In summary, the available evidence is currently insufficient to determine the role of this variant in disease. Therefore, it has been classified as a Variant of Uncertain Significance.